The following is an entry in ClinVar:

NM_000359.3(TGM1):c.418A>G (p.Ile140Val)

Gene: TGM1 (transglutaminase 1; minus strand). Cytogenetic location: 14q12.
Variant type: single nucleotide variant.
Coding change: c.418A>G on transcript NM_000359.3 (MANE Select); coding-DNA position 418, A replaced by G.
Protein change: p.Ile140Val; replaces isoleucine 140 with valine.
Molecular consequence: missense variant.
Genome position (GRCh38, 1-based): chr14:24,261,785, T>C on the plus strand (A>G on the coding strand, the complement: TGM1 is on the minus strand). VCF-style: chr14-24261785-T-C. GRCh37 (hg19) VCF-style: chr14-24730991-T-C.
Other names: short protein forms I140V.
Identifiers: ClinVar variation 1307378 (VCV001307378.3), dbSNP rs149923908, ClinGen allele CA7131419.

ClinVar aggregate classification (germline): Uncertain significance. Review status: criteria provided, multiple submitters, no conflicts (2 of 4 stars). 2 submissions from 2 submitters: Uncertain significance (2). Last evaluated 2021-08-13.

Conditions:
Autosomal recessive congenital ichthyosis 1 (LI1). Also called: ICHTHYOSIS, CONGENITAL, AUTOSOMAL RECESSIVE 1, WITH BATHING SUIT DISTRIBUTION; ICHTHYOSIS, CONGENITAL, AUTOSOMAL RECESSIVE 1, WITH OR WITHOUT BATHING SUIT DISTRIBUTION; COLLODION FETUS; DESQUAMATION OF NEWBORN; ICHTHYOSIS CONGENITA; ICHTHYOSIS CONGENITA II. Identifiers: MedGen C4551630, MONDO:0009441, OMIM 242300.

Allele frequency attached by ClinVar (database versions not stated): ExAC 0.00003; gnomAD exomes 0.00003 and 0.00006; gnomAD 0.00004; TOPMed 0.00007; ESP Exome Variant Server 0.00008.
gnomAD v4.1: 89 of 1,613,840 alleles (0.0055%); highest among the groups gnomAD compares: Non-Finnish European, 0.0069%; no homozygotes.

Submissions (2):

Fulgent Genetics
Classification: Uncertain significance for Autosomal recessive congenital ichthyosis 1. Last evaluated: 2021-08-13. Review status: criteria provided, single submitter. Criteria: ACMG Guidelines, 2015. Collection method: clinical testing. Allele origin: unknown.

GeneDx
Classification: Uncertain significance. Last evaluated: 2019-07-30. Review status: criteria provided, single submitter. Criteria: GeneDx Variant Classification Process June 2021. Collection method: clinical testing. Allele origin: germline. Affected: yes.
Comment: Has not been previously published as pathogenic or benign to our knowledge; In silico analysis, which includes protein predictors and evolutionary conservation, supports that this variant does not alter protein structure/function